The following is an entry in ClinVar:

NM_018975.4(TERF2IP):c.378G>C (p.Glu126Asp)

Gene: TERF2IP (TERF2 interacting protein; plus strand). Cytogenetic location: 16q23.1.
Variant type: single nucleotide variant.
Coding change: c.378G>C on transcript NM_018975.4 (MANE Select); coding-DNA position 378, G replaced by C.
Protein change: p.Glu126Asp; replaces glutamic acid 126 with aspartic acid.
Molecular consequence: missense variant. On other transcripts: non-coding transcript variant (1).
Genome position (GRCh38, 1-based): chr16:75,648,260, G>C. VCF-style: chr16-75648260-G-C. GRCh37 (hg19) VCF-style: chr16-75682158-G-C.
Other names: short protein forms E126D.
Identifiers: ClinVar variation 2826553 (VCV002826553.3), dbSNP rs2507073922, ClinGen allele CA396817778.

ClinVar aggregate classification (germline): Uncertain significance (1 of 4 stars; one submission).

Submission:

Labcorp Genetics (formerly Invitae), Labcorp
Classification: Uncertain significance. Last evaluated: 2023-01-06. Review status: criteria provided, single submitter. Criteria: Invitae Variant Classification Sherloc (09022015). Collection method: clinical testing. Allele origin: germline.
Comment: In summary, the available evidence is currently insufficient to determine the role of this variant in disease. Therefore, it has been classified as a Variant of Uncertain Significance. Algorithms developed to predict the effect of missense changes on protein structure and function (SIFT, PolyPhen-2, Align-GVGD) all suggest that this variant is likely to be tolerated. This variant has not been reported in the literature in individuals affected with TERF2IP-related conditions. This sequence change replaces glutamic acid, which is acidic and polar, with aspartic acid, which is acidic and polar, at codon 126 of the TERF2IP protein (p.Glu126Asp). This variant is not present in population databases (gnomAD no frequency).